The following is an entry in ClinVar:

ClinVar aggregate classification (germline): Uncertain significance (1 of 4 stars; one submission).

Conditions:
Combined immunodeficiency due to LRBA deficiency. Also called: Common variable immunodeficiency 8, with autoimmunity. Identifiers: Orphanet 445018, MedGen C3553512, MONDO:0013863, OMIM 614700.

Submission:

Labcorp Genetics (formerly Invitae), Labcorp
Classification: Uncertain significance for Combined immunodeficiency due to LRBA deficiency. Last evaluated: 2021-02-11. Review status: criteria provided, single submitter. Criteria: Invitae Variant Classification Sherloc (09022015). Collection method: clinical testing. Allele origin: germline.
Comment: In summary, the available evidence is currently insufficient to determine the role of this variant in disease. Therefore, it has been classified as a Variant of Uncertain Significance. Algorithms developed to predict the effect of missense changes on protein structure and function are either unavailable or do not agree on the potential impact of this missense change (SIFT: "Tolerated"; PolyPhen-2: "Probably Damaging"; Align-GVGD: "Class C0"). This variant has not been reported in the literature in individuals with LRBA-related conditions. This variant is not present in population databases (ExAC no frequency). This sequence change replaces methionine with isoleucine at codon 846 of the LRBA protein (p.Met846Ile). The methionine residue is weakly conserved and there is a small physicochemical difference between methionine and isoleucine.

NM_001364905.1(LRBA):c.2538G>T (p.Met846Ile)

Gene: LRBA (LPS responsive beige-like anchor protein; minus strand). Cytogenetic location: 4q31.3.
Variant type: single nucleotide variant.
Coding change: c.2538G>T on transcript NM_001364905.1 (MANE Select); coding-DNA position 2538, G replaced by T.
Protein change: p.Met846Ile; replaces methionine 846 with isoleucine.
Molecular consequence: missense variant.
Genome position (GRCh38, 1-based): chr4:150,868,217, C>A on the plus strand (G>T on the coding strand, the complement: LRBA is on the minus strand). VCF-style: chr4-150868217-C-A. GRCh37 (hg19) VCF-style: chr4-151789369-C-A.
Other names: c.2538G>T, p.Met846Ile (NM_001199282.3, NM_001367550.1, NM_006726.5); short protein forms M846I.
Identifiers: ClinVar variation 1471353 (VCV001471353.8), dbSNP rs2126990222, ClinGen allele CA358465352.
Genomic context (GRCh38, chr4:150,868,217, plus strand): 5'-ATAAATGCTTTCTGATTCAGCTTACCTCCTGTTTTCTCTACTGTTATTAAAAAGTTTAAT[C>A]ATGTCAGAAAGAAAGGCTCTGCGAACCTCCATGCTCTCTGGGCACTGGGGAGAATTTCGA-3'
Protein context (NP_001351834.1, residues 836-856): MEVRRAFLSD[Met846Ile]IKLFNNSREN